The following is an entry in ClinVar:

ClinVar aggregate classification (germline): Benign/Likely benign. Review status: criteria provided, multiple submitters, no conflicts (2 of 4 stars). 2 submissions from 2 submitters: Benign (1); Likely benign (1). Last evaluated 2025-02-19.

Conditions:
Hereditary cancer-predisposing syndrome. Also called: Neoplastic Syndromes, Hereditary; Tumor predisposition; Hereditary Cancer Syndrome; Hereditary neoplastic syndrome. Identifiers: Orphanet 140162, MedGen C0027672, MeSH D009386, MONDO:0015356.
Breast-ovarian cancer, familial, susceptibility to, 3. Also called: RAD51C-Related Breast/Ovarian Cancer. Identifiers: Orphanet 145, MedGen C3150659, MONDO:0013253, OMIM 613399.

gnomAD v4.1: 1 of 1,611,660 alleles (0.000062%); no homozygotes.

Submissions (2):

Myriad Genetics, Inc.
Classification: Benign for Breast-ovarian cancer, familial, susceptibility to, 3. Last evaluated: 2025-02-19. Review status: criteria provided, single submitter. Criteria: Myriad Autosomal Dominant, Autosomal Recessive and X-Linked Classification Criteria (2023). Collection method: clinical testing. Allele origin: unknown.
Comment: This variant is considered benign. This variant is a silent/synonymous amino acid change and it is not expected to impact splicing.

Color Diagnostics, LLC DBA Color Health
Classification: Likely benign for Hereditary cancer-predisposing syndrome. Last evaluated: 2019-04-03. Review status: criteria provided, single submitter. Criteria: ACMG Guidelines, 2015. Collection method: clinical testing. Allele origin: germline.

NM_058216.3(RAD51C):c.849C>G (p.Thr283=)

Gene: RAD51C (RAD51 paralog C; plus strand). Cytogenetic location: 17q22.
Variant type: single nucleotide variant.
Coding change: c.849C>G on transcript NM_058216.3 (MANE Select); coding-DNA position 849, C replaced by G.
Protein change: p.Thr283=; no amino-acid change (threonine 283 retained).
Molecular consequence: synonymous variant. On other transcripts: non-coding transcript variant (1).
Genome position (GRCh38, 1-based): chr17:58,720,757, C>G. VCF-style: chr17-58720757-C-G. GRCh37 (hg19) VCF-style: chr17-56798118-C-G.
Identifiers: ClinVar variation 923292 (VCV000923292.3), dbSNP rs2048889783, ClinGen allele CA501075783.